The following is an entry in ClinVar:

NM_182961.4(SYNE1):c.24176T>A (p.Ile8059Asn)

Gene: SYNE1 (spectrin repeat containing nuclear envelope protein 1; minus strand). Cytogenetic location: 6q25.2.
Variant type: single nucleotide variant.
Coding change: c.24176T>A on transcript NM_182961.4 (MANE Select); coding-DNA position 24176, T replaced by A.
Protein change: p.Ile8059Asn; replaces isoleucine 8059 with asparagine.
Molecular consequence: missense variant.
Genome position (GRCh38, 1-based): chr6:152,152,095, A>T on the plus strand (T>A on the coding strand, the complement: SYNE1 is on the minus strand). VCF-style: chr6-152152095-A-T. GRCh37 (hg19) VCF-style: chr6-152473230-A-T.
Other names: c.782T>A, p.Ile261Asn (NM_001347701.2); c.641T>A, p.Ile214Asn (NM_001347702.2); c.23963T>A, p.Ile7988Asn (NM_033071.5); short protein forms I214N, I261N, I7988N, I8059N.
Identifiers: ClinVar variation 2662102 (VCV002662102.2), dbSNP rs1563056001, ClinGen allele CA366087120.
Genomic context (GRCh38, chr6:152,152,095, plus strand): 5'-TTGAGGCTACATGCTGAATCAGTGCGGTTCTCCCTGGCCAGGCGGCGGTACTGCTTGTTG[A>T]TCAGTTCCAGCTGCGTCAGGCACTCGTGGACCTGTCGCTGGAAAGCCTAAGGCCACAGAG-3'
Protein context (NP_892006.3, residues 8049-8069): VHECLTQLEL[Ile8059Asn]NKQYRRLARE

ClinVar aggregate classification (germline): Uncertain significance. Review status: criteria provided, multiple submitters, no conflicts (2 of 4 stars). 2 submissions from 2 submitters: Uncertain significance (2). Last evaluated 2024-09-25.

Allele frequency attached by ClinVar (database versions not stated): TOPMed below 0.00001; gnomAD exomes 0.00001.
gnomAD v4.1: 4 of 1,614,138 alleles (0.00025%); highest among the groups gnomAD compares: Non-Finnish European, 0.00034%; no homozygotes.

Submissions (2):

Revvity Omics, Revvity
Classification: Uncertain significance. Last evaluated: 2024-09-25. Review status: criteria provided, single submitter. Criteria: ACMG Guidelines, 2015. Collection method: clinical testing. Allele origin: germline.

GeneDx
Classification: Uncertain significance. Last evaluated: 2023-04-19. Review status: criteria provided, single submitter. Criteria: GeneDx Variant Classification Process June 2021. Collection method: clinical testing. Allele origin: germline. Affected: yes.
Comment: Not observed at significant frequency in large population cohorts (gnomAD); In silico analysis supports that this missense variant has a deleterious effect on protein structure/function; Has not been previously published as pathogenic or benign to our knowledge